The following is an entry in ClinVar:

ClinVar aggregate classification (germline): Uncertain significance (1 of 4 stars; one submission).

Conditions:
Noonan syndrome 9 (NS9). Identifiers: Orphanet 648, MedGen C4225282, MONDO:0014691, OMIM 616559.

Allele frequency attached by ClinVar (database versions not stated): gnomAD exomes below 0.00001; gnomAD 0.00001.
gnomAD v4.1: 3 of 1,613,868 alleles (0.00019%); highest among the groups gnomAD compares: Admixed American, 0.0017%; no homozygotes.

Submission:

Labcorp Genetics (formerly Invitae), Labcorp
Classification: Uncertain significance for Noonan syndrome 9. Last evaluated: 2022-06-29. Review status: criteria provided, single submitter. Criteria: Invitae Variant Classification Sherloc (09022015). Collection method: clinical testing. Allele origin: germline.
Comment: Algorithms developed to predict the effect of missense changes on protein structure and function are either unavailable or do not agree on the potential impact of this missense change (SIFT: "Tolerated"; PolyPhen-2: "Possibly Damaging"; Align-GVGD: "Class C0"). In summary, the available evidence is currently insufficient to determine the role of this variant in disease. Therefore, it has been classified as a Variant of Uncertain Significance. This variant has not been reported in the literature in individuals affected with SOS2-related conditions. This variant is present in population databases (no rsID available, gnomAD 0.006%). This sequence change replaces methionine, which is neutral and non-polar, with threonine, which is neutral and polar, at codon 420 of the SOS2 protein (p.Met420Thr).

NM_006939.4(SOS2):c.1259T>C (p.Met420Thr)

Gene: SOS2 (SOS Ras/Rho guanine nucleotide exchange factor 2; minus strand). Cytogenetic location: 14q21.3.
Variant type: single nucleotide variant.
Coding change: c.1259T>C on transcript NM_006939.4 (MANE Select); coding-DNA position 1259, T replaced by C.
Protein change: p.Met420Thr; replaces methionine 420 with threonine.
Molecular consequence: missense variant.
Genome position (GRCh38, 1-based): chr14:50,160,024, A>G on the plus strand (T>C on the coding strand, the complement: SOS2 is on the minus strand). VCF-style: chr14-50160024-A-G. GRCh37 (hg19) VCF-style: chr14-50626742-A-G.
Other names: c.1160T>C, p.Met387Thr (NM_001411020.1); short protein forms M387T, M420T.
Identifiers: ClinVar variation 2184030 (VCV002184030.4), dbSNP rs1234537423, ClinGen allele CA389646201.
Genomic context (GRCh38, chr14:50,160,024, plus strand): 5'-TTACAACACTGTCCAATATCTTTGCCTTCCCATCCATCGATATTTTTCTGAATTTCATTC[A>G]TTTTTTTGATAGCCAGGTGTTTGCTTCTTAATTGGTGACTATAAAAAGGGCAAACAGGAT-3'
Protein context (NP_008870.2, residues 410-430): LRSKHLAIKK[Met420Thr]NEIQKNIDGW